The following is an entry in ClinVar:

NM_022552.5(DNMT3A):c.2456T>C (p.Leu819Pro)

Gene: DNMT3A (DNA methyltransferase 3 alpha; minus strand). Cytogenetic location: 2p23.3.
Variant type: single nucleotide variant.
Coding change: c.2456T>C on transcript NM_022552.5 (MANE Select); coding-DNA position 2456, T replaced by C.
Protein change: p.Leu819Pro; replaces leucine 819 with proline.
Molecular consequence: missense variant. On other transcripts: non-coding transcript variant (1).
Genome position (GRCh38, 1-based): chr2:25,236,958, A>G on the plus strand (T>C on the coding strand, the complement: DNMT3A is on the minus strand). VCF-style: chr2-25236958-A-G. GRCh37 (hg19) VCF-style: chr2-25459827-A-G.
Other names: c.2000T>C, p.Leu667Pro (NM_001320893.1); c.1787T>C, p.Leu596Pro (NM_001375819.1); c.1889T>C, p.Leu630Pro (NM_153759.3); c.2456T>C, p.Leu819Pro (NM_175629.2); short protein forms L667P, L596P, L630P, L819P.
Identifiers: ClinVar variation 4825624 (VCV004825624.1).

ClinVar aggregate classification (germline): Uncertain significance (1 of 4 stars; one submission).

Conditions:
Inborn genetic diseases. Identifiers: MedGen C0950123, MeSH D030342.

Submission:

Ambry Genetics
Classification: Uncertain significance for Inborn genetic diseases. Last evaluated: 2026-01-25. Review status: criteria provided, single submitter. Criteria: Ambry Variant Classification Scheme 2023. Collection method: clinical testing. Allele origin: germline.
Comment: The p.L819P variant (also known as c.2456T>C), located in coding exon 20 of the DNMT3A gene, results from a T to C substitution at nucleotide position 2456. The leucine at codon 819 is replaced by proline, an amino acid with similar properties. This amino acid position is conserved. In addition, this alteration is predicted to be deleterious by in silico analysis. Based on the available evidence, the clinical significance of this variant remains unclear.